The following is an entry in ClinVar:

ClinVar aggregate classification (germline): Uncertain significance. Review status: criteria provided, multiple submitters, no conflicts (2 of 4 stars). 3 submissions from 3 submitters: Uncertain significance (3). Last evaluated 2024-05-09.

Conditions:
Inborn genetic diseases. Identifiers: MedGen C0950123, MeSH D030342.
Occipital pachygyria and polymicrogyria. Identifiers: Orphanet 280640, MedGen C3279875, MONDO:0013583, OMIM 614115.

gnomAD v4.1: 8 of 1,608,422 alleles (0.0005%); highest among the groups gnomAD compares: East Asian, 0.0022%; no homozygotes.

Submissions (3):

Fulgent Genetics
Classification: Uncertain significance for Occipital pachygyria and polymicrogyria. Last evaluated: 2024-05-09. Review status: criteria provided, single submitter. Criteria: ACMG Guidelines, 2015. Collection method: clinical testing. Allele origin: germline.

Ambry Genetics
Classification: Uncertain significance for Inborn genetic diseases. Last evaluated: 2023-07-14. Review status: criteria provided, single submitter. Criteria: Ambry Variant Classification Scheme 2023. Collection method: clinical testing. Allele origin: germline.

Labcorp Genetics (formerly Invitae), Labcorp
Classification: Uncertain significance. Last evaluated: 2021-10-20. Review status: criteria provided, single submitter. Criteria: Invitae Variant Classification Sherloc (09022015). Collection method: clinical testing. Allele origin: germline.
Comment: This variant is not present in population databases (ExAC no frequency). In summary, the available evidence is currently insufficient to determine the role of this variant in disease. Therefore, it has been classified as a Variant of Uncertain Significance. Algorithms developed to predict the effect of missense changes on protein structure and function are either unavailable or do not agree on the potential impact of this missense change (SIFT: "Deleterious"; PolyPhen-2: "Benign"; Align-GVGD: "Class C0"). This variant has not been reported in the literature in individuals affected with LAMC3-related conditions. This sequence change replaces arginine with tryptophan at codon 1205 of the LAMC3 protein (p.Arg1205Trp). The arginine residue is weakly conserved and there is a moderate physicochemical difference between arginine and tryptophan.

NM_006059.4(LAMC3):c.3613C>T (p.Arg1205Trp)

Gene: LAMC3 (laminin subunit gamma 3; plus strand). Cytogenetic location: 9q34.12.
Variant type: single nucleotide variant.
Coding change: c.3613C>T on transcript NM_006059.4 (MANE Select); coding-DNA position 3613, C replaced by T.
Protein change: p.Arg1205Trp; replaces arginine 1205 with tryptophan.
Molecular consequence: missense variant.
Genome position (GRCh38, 1-based): chr9:131,075,949, C>T. VCF-style: chr9-131075949-C-T. GRCh37 (hg19) VCF-style: chr9-133951336-C-T.
Other names: c.3613C>T (NM_006059.3); short protein forms R1205W.
Identifiers: ClinVar variation 1380015 (VCV001380015.6), dbSNP rs1199242853, ClinGen allele CA375260687.